The following is an entry in ClinVar:

NM_002465.4(MYBPC1):c.3008T>A (p.Val1003Asp)

Gene: MYBPC1 (myosin binding protein C1; plus strand). Cytogenetic location: 12q23.2.
Variant type: single nucleotide variant.
Coding change: c.3008T>A on transcript NM_002465.4 (MANE Select); coding-DNA position 3008, T replaced by A.
Protein change: p.Val1003Asp; replaces valine 1003 with aspartic acid.
Molecular consequence: missense variant.
Genome position (GRCh38, 1-based): chr12:101,677,293, T>A. VCF-style: chr12-101677293-T-A. GRCh37 (hg19) VCF-style: chr12-102071071-T-A.
Other names: c.2987T>A, p.Val996Asp (NM_001254718.3, NM_206820.4); c.2933T>A, p.Val978Asp (NM_001254719.3, NM_206821.4); c.2897T>A, p.Val966Asp (NM_001254720.3); c.2876T>A, p.Val959Asp (NM_001254721.3, NM_001404676.1, NM_001404678.1); c.2855T>A, p.Val952Asp (NM_001254722.3, NM_001404680.1); c.2894T>A, p.Val965Asp (NM_001254723.3); c.3008T>A, p.Val1003Asp (NM_001404675.1, NM_206819.4); c.2798T>A, p.Val933Asp (NM_001404677.1, NM_001404679.1, NM_001404681.1); short protein forms V959D, V978D, V933D, V952D, V965D, V996D, V1003D, V966D.
Identifiers: ClinVar variation 5008189 (VCV005008189.1).

ClinVar aggregate classification (germline): Uncertain significance (1 of 4 stars; one submission).

Submission:

GeneDx
Classification: Uncertain significance. Last evaluated: 2026-02-27. Review status: criteria provided, single submitter. Criteria: GeneDx Variant Classification Process June 2021. Collection method: clinical testing. Allele origin: germline.
Comment: Not observed at significant frequency in large population cohorts (gnomAD); In silico analysis supports that this missense variant has a deleterious effect on protein structure/function; Has not been previously published as pathogenic or benign to our knowledge